The following is an entry in ClinVar:

ClinVar aggregate classification (germline): Uncertain significance. Review status: criteria provided, multiple submitters, no conflicts (2 of 4 stars). 2 submissions from 2 submitters: Uncertain significance (2). Last evaluated 2025-11-17.

Conditions:
Hereditary cancer-predisposing syndrome. Also called: Neoplastic Syndromes, Hereditary; Tumor predisposition; Hereditary Cancer Syndrome; Hereditary neoplastic syndrome. Identifiers: Orphanet 140162, MedGen C0027672, MeSH D009386, MONDO:0015356.

Allele frequency attached by ClinVar (database versions not stated): gnomAD exomes below 0.00001.
gnomAD v4.1: 1 of 1,612,338 alleles (0.000062%); highest among the groups gnomAD compares: South Asian, 0.0011%; no homozygotes.

Submissions (2):

Ambry Genetics
Classification: Uncertain significance for Hereditary cancer-predisposing syndrome. Last evaluated: 2025-11-17. Review status: criteria provided, single submitter. Criteria: Ambry Variant Classification Scheme 2023. Collection method: clinical testing. Allele origin: germline.
Comment: The p.E328G variant (also known as c.983A>G), located in coding exon 7 of the RAD50 gene, results from an A to G substitution at nucleotide position 983. The glutamic acid at codon 328 is replaced by glycine, an amino acid with similar properties. This amino acid position is conserved. In addition, this alteration is predicted to be tolerated by in silico analysis. Since supporting evidence is limited at this time, the clinical significance of this alteration remains unclear.

Labcorp Genetics (formerly Invitae), Labcorp
Classification: Uncertain significance for Hereditary cancer-predisposing syndrome. Last evaluated: 2017-07-30. Review status: criteria provided, single submitter. Criteria: Invitae Variant Classification Sherloc (09022015). Collection method: clinical testing. Allele origin: germline.
Comment: Algorithms developed to predict the effect of missense changes on protein structure and function do not agree on the potential impact of this missense change (SIFT: "Deleterious"; PolyPhen-2: "Benign"; Align-GVGD: "Class C0"). This variant has not been reported in the literature in individuals with RAD50-related disease. This variant is not present in population databases (ExAC no frequency). This sequence change replaces glutamic acid with glycine at codon 328 of the RAD50 protein (p.Glu328Gly). The glutamic acid residue is moderately conserved and there is a moderate physicochemical difference between glutamic acid and glycine. In summary, the available evidence is currently insufficient to determine the role of this variant in disease. Therefore, it has been classified as a Variant of Uncertain Significance.

NM_005732.4(RAD50):c.983A>G (p.Glu328Gly)

Gene: RAD50 (RAD50 double strand break repair protein; plus strand). Cytogenetic location: 5q31.1.
Variant type: single nucleotide variant.
Coding change: c.983A>G on transcript NM_005732.4 (MANE Select); coding-DNA position 983, A replaced by G.
Protein change: p.Glu328Gly; replaces glutamic acid 328 with glycine.
Molecular consequence: missense variant.
Genome position (GRCh38, 1-based): chr5:132,588,021, A>G. VCF-style: chr5-132588021-A-G. GRCh37 (hg19) VCF-style: chr5-131923713-A-G.
Other names: short protein forms E328G.
Identifiers: ClinVar variation 457495 (VCV000457495.12), dbSNP rs1554098198, ClinGen allele CA360941275.
Genomic context (GRCh38, chr5:132,588,021, plus strand): 5'-ATCACAATCACCAGAGAACAGTAAGGGAGAAAGAAAGGAAATTGGTAGACTGTCATCGTG[A>G]ACTGGAAAAACTAAATAAAGAATCTAGGCTTCTCAATCAGGAAAAATCAGAACTGCTTGT-3'
Protein context (NP_005723.2, residues 318-338): KERKLVDCHR[Glu328Gly]LEKLNKESRL